The following is an entry in ClinVar:

ClinVar aggregate classification (germline): Conflicting classifications of pathogenicity. Review status: criteria provided, conflicting classifications (1 of 4 stars). 2 submissions from 2 submitters: Uncertain significance (1); Likely benign (1). Last evaluated 2025-02-03.

Conditions:
Inborn genetic diseases. Identifiers: MedGen C0950123, MeSH D030342.

Allele frequency attached by ClinVar (database versions not stated): gnomAD exomes 0.00001 and 0.00002; ExAC 0.00003; gnomAD 0.00005; TOPMed 0.00011; ESP Exome Variant Server 0.00015; 1000 Genomes Project 30x 0.00016.
gnomAD v4.1: 22 of 1,613,502 alleles (0.0014%); highest among the groups gnomAD compares: African/African-American, 0.027%; 1 homozygote.

Submissions (2):

Ambry Genetics
Classification: Likely benign for Inborn genetic diseases. Last evaluated: 2025-02-03. Review status: criteria provided, single submitter. Criteria: Ambry Variant Classification Scheme 2023. Collection method: clinical testing. Allele origin: germline.

Labcorp Genetics (formerly Invitae), Labcorp
Classification: Uncertain significance. Last evaluated: 2023-11-27. Review status: criteria provided, single submitter. Criteria: Invitae Variant Classification Sherloc (09022015). Collection method: clinical testing. Allele origin: germline.
Comment: This sequence change replaces glycine, which is neutral and non-polar, with aspartic acid, which is acidic and polar, at codon 532 of the REST protein (p.Gly532Asp). This variant is present in population databases (rs141001113, gnomAD 0.02%). This variant has not been reported in the literature in individuals affected with REST-related conditions. ClinVar contains an entry for this variant (Variation ID: 1446956). Algorithms developed to predict the effect of missense changes on protein structure and function output the following: SIFT: "Not Available"; PolyPhen-2: "Benign"; Align-GVGD: "Not Available". The aspartic acid amino acid residue is found in multiple mammalian species, which suggests that this missense change does not adversely affect protein function. In summary, the available evidence is currently insufficient to determine the role of this variant in disease. Therefore, it has been classified as a Variant of Uncertain Significance.

NM_005612.5(REST):c.1595G>A (p.Gly532Asp)

Gene: REST (RE1 silencing transcription factor; plus strand). Cytogenetic location: 4q12.
Variant type: single nucleotide variant.
Coding change: c.1595G>A on transcript NM_005612.5 (MANE Select); coding-DNA position 1595, G replaced by A.
Protein change: p.Gly532Asp; replaces glycine 532 with aspartic acid.
Molecular consequence: missense variant.
Genome position (GRCh38, 1-based): chr4:56,930,453, G>A. VCF-style: chr4-56930453-G-A. GRCh37 (hg19) VCF-style: chr4-57796619-G-A.
Other names: c.1595G>A, p.Gly532Asp (NM_001193508.2, NM_001363453.3); short protein forms G532D.
Identifiers: ClinVar variation 1446956 (VCV001446956.7), dbSNP rs141001113, ClinGen allele CA2932285.